The following is an entry in ClinVar:

ClinVar aggregate classification (germline): Uncertain significance. Review status: criteria provided, multiple submitters, no conflicts (2 of 4 stars). 3 submissions from 3 submitters: Uncertain significance (2). 1 of the submissions does not count toward it. Last evaluated 2026-09-08.

Conditions:
Hereditary cancer-predisposing syndrome. Also called: Hereditary Cancer Syndrome; Tumor predisposition; Hereditary neoplastic syndrome; Neoplastic Syndromes, Hereditary. Identifiers: Orphanet 140162, MedGen C0027672, MeSH D009386, MONDO:0015356.
Familial adenomatous polyposis 1 (FAP1). Also called: FAMILIAL ADENOMATOUS POLYPOSIS 1, ATTENUATED; POLYPOSIS, ADENOMATOUS INTESTINAL. Identifiers: MedGen C2713442, MONDO:0021056, OMIM 175100. Disease mechanism: loss of function.
Neoplasm of the liver. Identifiers: MedGen C0023903, HP:0002896.

Allele frequency attached by ClinVar (database versions not stated): gnomAD exomes below 0.00001.
gnomAD v4.1: 3 of 1,613,998 alleles (0.00019%); highest among the groups gnomAD compares: Non-Finnish European, 0.00025%; no homozygotes.

Submissions (3):

Ambry Genetics
Classification: Uncertain significance for Hereditary cancer-predisposing syndrome. Last evaluated: 2026-09-08. Review status: criteria provided, single submitter. Criteria: Ambry Variant Classification Scheme 2023. Collection method: clinical testing. Allele origin: germline.
Comment: The p.P1433S variant (also known as c.4297C>T), located in coding exon 15 of the APC gene, results from a C to T substitution at nucleotide position 4297. The proline at codon 1433 is replaced by serine, an amino acid with similar properties. This variant was reported in individual(s) with features consistent with familial adenomatous polyposis (Ambry internal data). This amino acid position is highly conserved in available vertebrate species. Missense variants in APC are not a common cause of disease (Spier I et al. Genet Med. 2024 Feb;26(2):100992). Based on the available evidence, the clinical significance of this variant remains unclear.

Labcorp Genetics (formerly Invitae), Labcorp
Classification: Uncertain significance for Familial adenomatous polyposis 1. Last evaluated: 2023-12-26. Review status: criteria provided, single submitter. Criteria: Invitae Variant Classification Sherloc (09022015). Collection method: clinical testing. Allele origin: germline.
Comment: This sequence change replaces proline, which is neutral and non-polar, with serine, which is neutral and polar, at codon 1433 of the APC protein (p.Pro1433Ser). This variant is not present in population databases (gnomAD no frequency). This variant has not been reported in the literature in individuals affected with APC-related conditions. ClinVar contains an entry for this variant (Variation ID: 559957). Advanced modeling of protein sequence and biophysical properties (such as structural, functional, and spatial information, amino acid conservation, physicochemical variation, residue mobility, and thermodynamic stability) performed at Invitae indicates that this missense variant is not expected to disrupt APC protein function with a negative predictive value of 95%. In summary, the available evidence is currently insufficient to determine the role of this variant in disease. Therefore, it has been classified as a Variant of Uncertain Significance.

3DMed Clinical Laboratory Inc
Classification: Uncertain significance for Neoplasm of the liver. Last evaluated: 2017-11-15. Review status: no assertion criteria provided. Criteria: ACMG Guidelines, 2015. Collection method: clinical testing. Allele origin: germline. Affected: yes. Not counted in ClinVar's aggregate classification.

NM_000038.6(APC):c.4297C>T (p.Pro1433Ser)

Gene: APC (APC regulator of Wnt signaling pathway; plus strand). Cytogenetic location: 5q22.2.
Variant type: single nucleotide variant.
Coding change: c.4297C>T on transcript NM_000038.6 (MANE Select); coding-DNA position 4297, C replaced by T.
Protein change: p.Pro1433Ser; replaces proline 1433 with serine.
Molecular consequence: missense variant.
Genome position (GRCh38, 1-based): chr5:112,839,891, C>T. VCF-style: chr5-112839891-C-T. GRCh37 (hg19) VCF-style: chr5-112175588-C-T.
Other names: c.4297C>T (NM_000038.5); c.4297C>T, p.Pro1433Ser (NM_001127510.3, NM_001354895.2); c.4243C>T, p.Pro1415Ser (NM_001127511.3); c.4351C>T, p.Pro1451Ser (NM_001354896.2); c.4327C>T, p.Pro1443Ser (NM_001354897.2); c.4222C>T, p.Pro1408Ser (NM_001354898.2); c.4213C>T, p.Pro1405Ser (NM_001354899.2); c.4174C>T, p.Pro1392Ser (NM_001354900.2); and 6 more; short protein forms P1415S, P1433S, P1374S, P1408S, P1451S, P1307S, P1392S, P1405S.
Identifiers: ClinVar variation 559957 (VCV000559957.6), dbSNP rs1554085738, ClinGen allele CA16030749.